The following is an entry in ClinVar:

NM_025243.4(SLC19A3):c.752G>T (p.Ser251Ile)

Gene: SLC19A3 (solute carrier family 19 member 3; minus strand). Cytogenetic location: 2q36.3.
Variant type: single nucleotide variant.
Coding change: c.752G>T on transcript NM_025243.4 (MANE Select); coding-DNA position 752, G replaced by T.
Protein change: p.Ser251Ile; replaces serine 251 with isoleucine.
Molecular consequence: missense variant.
Genome position (GRCh38, 1-based): chr2:227,698,963, C>A on the plus strand (G>T on the coding strand, the complement: SLC19A3 is on the minus strand). VCF-style: chr2-227698963-C-A. GRCh37 (hg19) VCF-style: chr2-228563679-C-A.
Other names: c.752G>T, p.Ser251Ile (NM_001371411.1, NM_001371412.1); c.740G>T, p.Ser247Ile (NM_001371413.1, NM_001371414.1); short protein forms S247I, S251I.
Identifiers: ClinVar variation 3367836 (VCV003367836.1).

ClinVar aggregate classification (germline): Uncertain significance (1 of 4 stars; one submission).

Submission:

GeneDx
Classification: Uncertain significance. Last evaluated: 2024-01-12. Review status: criteria provided, single submitter. Criteria: GeneDx Variant Classification Process June 2021. Collection method: clinical testing. Allele origin: germline. Affected: yes.
Comment: Not observed at significant frequency in large population cohorts (gnomAD); In silico analysis supports that this missense variant does not alter protein structure/function; Has not been previously published as pathogenic or benign to our knowledge